The following is an entry in ClinVar:

NM_004364.5(CEBPA):c.260A>C (p.Gln87Pro)

Gene: CEBPA (CCAAT enhancer binding protein alpha; minus strand). Cytogenetic location: 19q13.11.
Variant type: single nucleotide variant.
Coding change: c.260A>C on transcript NM_004364.5 (MANE Select); coding-DNA position 260, A replaced by C.
Protein change: p.Gln87Pro; replaces glutamine 87 with proline.
Molecular consequence: missense variant. On other transcripts: 5 prime UTR variant (1).
Genome position (GRCh38, 1-based): chr19:33,302,155, T>G on the plus strand (A>C on the coding strand, the complement: CEBPA is on the minus strand). VCF-style: chr19-33302155-T-G. GRCh37 (hg19) VCF-style: chr19-33793061-T-G.
Other names: c.-98A>C (NM_001285829.2); c.365A>C, p.Gln122Pro (NM_001287424.2); c.218A>C, p.Gln73Pro (NM_001287435.2); short protein forms Q87P, Q122P, Q73P.
Identifiers: ClinVar variation 858547 (VCV000858547.10), dbSNP rs1967192346, ClinGen allele CA405275326.

ClinVar aggregate classification (germline): Uncertain significance (1 of 4 stars; one submission).

Conditions:
Acute myeloid leukemia (AML). Also called: Acute myeloid leukemia, adult; AML adult; Acute non-lymphocytic leukemia; Acute granulocytic leukemia; Leukemia, acute myeloid, somatic; Leukemia, acute myelogenous, somatic. Identifiers: Orphanet 519, MedGen C0023467, MeSH D015470, MONDO:0018874, OMIM 601626, HP:0004808. Disease mechanism: Constitutively activated FLT3.

Submission:

Labcorp Genetics (formerly Invitae), Labcorp
Classification: Uncertain significance for Acute myeloid leukemia. Last evaluated: 2019-02-25. Review status: criteria provided, single submitter. Criteria: Invitae Variant Classification Sherloc (09022015). Collection method: clinical testing. Allele origin: germline.
Comment: This sequence change replaces glutamine with proline at codon 87 of the CEBPA protein (p.Gln87Pro). The glutamine residue is moderately conserved and there is a moderate physicochemical difference between glutamine and proline. The frequency data for this variant in the population databases is considered unreliable, as metrics indicate insufficient coverage at this position in the ExAC database. This variant has not been reported in the literature in individuals with CEBPA-related conditions. Algorithms developed to predict the effect of missense changes on protein structure and function (SIFT, PolyPhen-2, Align-GVGD) all suggest that this variant is likely to be tolerated, but these predictions have not been confirmed by published functional studies and their clinical significance is uncertain. In summary, the available evidence is currently insufficient to determine the role of this variant in disease. Therefore, it has been classified as a Variant of Uncertain Significance.